The following is an entry in ClinVar:

NM_001267550.2(TTN):c.98098+9T>A

Genes: TTN-AS1 (TTN antisense RNA 1; plus strand), TTN (titin; minus strand). Cytogenetic location: 2q31.2.
Variant type: single nucleotide variant.
Coding change: c.98098+9T>A on transcript NM_001267550.2 (MANE Select); 9 bases into the intron after coding-DNA position 98098, T replaced by A.
Molecular consequence: intron variant.
Genome position (GRCh38, 1-based): chr2:178,540,059, A>T on the plus strand (T>A on the coding strand, the complement: TTN is on the minus strand). VCF-style: chr2-178540059-A-T. GRCh37 (hg19) VCF-style: chr2-179404786-A-T.
Other names: p.?; c.70903+9T>A (NM_003319.4); c.71479+9T>A (NM_133437.4); c.71278+9T>A (NM_133432.3); c.90394+9T>A (NM_133378.4); c.93175+9T>A (NM_001256850.1).
Identifiers: ClinVar variation 47594 (VCV000047594.28), dbSNP rs2288325, ClinGen allele CA284158.
Genomic context (GRCh38, chr2:178,540,059, plus strand): 5'-TTGGGGTAGGGGGACTAAGAAATAAGTCTATGGCAATTATTGCAGAAAGCAAATGATCAT[A>T]TGTCTCACCAAGCATTTCAGTGACTTTGACTGTTCCTGGTACCTCAGCAGGCTCACCAGG-3'

ClinVar aggregate classification (germline): Benign. Review status: criteria provided, multiple submitters, no conflicts (2 of 4 stars). 18 submissions from 11 submitters: Benign (17). 1 of the submissions does not count toward it. Last evaluated 2026-02-04.

Conditions:
Dilated cardiomyopathy 1G (CMD1G). Identifiers: Orphanet 154, MedGen C1858763, MONDO:0011400, OMIM 604145.
Autosomal recessive limb-girdle muscular dystrophy type 2J (LGMDR10). Also called: MUSCULAR DYSTROPHY, LIMB-GIRDLE, AUTOSOMAL RECESSIVE 10; Limb-girdle muscular dystrophy, type 2J. Identifiers: Orphanet 140922, MedGen C1837342, MONDO:0012127, OMIM 608807.
Myopathy, myofibrillar, 9, with early respiratory failure (MFM9). Also called: Myopathy, distal, with early respiratory failure, autosomal dominant; Hereditary myopathy with early respiratory failure; MYOPATHY, PROXIMAL, WITH EARLY RESPIRATORY MUSCLE INVOLVEMENT; EDSTROM MYOPATHY. Identifiers: Orphanet 178464, Orphanet 34521, MedGen C1863599, MONDO:0011362, OMIM 603689.
Early-onset myopathy with fatal cardiomyopathy (CMYO5). Also called: CONGENITAL MYOPATHY 5 WITH CARDIOMYOPATHY; Salih Myopathy. Identifiers: Orphanet 289377, MedGen C2673677, MONDO:0012714, OMIM 611705. Disease mechanism: loss of function.
Tibial muscular dystrophy (TMD). Also called: Udd Distal Myopathy – Tibial Muscular Dystrophy; Tibial muscular dystrophy, tardive; UDD MYOPATHY. Identifiers: Orphanet 609, MedGen C1838244, MONDO:0010870, OMIM 600334.

Allele frequency attached by ClinVar (database versions not stated): ESP Exome Variant Server 0.14421; TOPMed 0.16098; gnomAD 0.16490; 1000 Genomes Project 0.23263; 1000 Genomes Project 30x 0.22689.
gnomAD v4.1: 250,088 of 1,595,098 alleles (16%); highest among the groups gnomAD compares: East Asian, 44%; 22,429 homozygotes.

Submissions (18):

Labcorp Genetics (formerly Invitae), Labcorp
Classification: Benign for Dilated cardiomyopathy 1G; Autosomal recessive limb-girdle muscular dystrophy type 2J. Last evaluated: 2026-02-04. Review status: criteria provided, single submitter. Criteria: Invitae Variant Classification Sherloc (09022015). Collection method: clinical testing. Allele origin: germline.

Molecular Diagnostic Laboratory for Inherited Cardiovascular Disease, Montreal Heart Institute
Classification: Benign. Last evaluated: 2025-04-09. Review status: criteria provided, single submitter. Criteria: ACMG Guidelines, 2015. Collection method: clinical testing. Allele origin: germline. Affected: no.

Genome-Nilou Lab
Classification: Benign for Autosomal recessive limb-girdle muscular dystrophy type 2J. Last evaluated: 2021-09-10. Review status: criteria provided, single submitter. Criteria: ACMG Guidelines, 2015. Collection method: clinical testing. Allele origin: germline. Affected: no.

Genome-Nilou Lab
Classification: Benign for Myopathy, myofibrillar, 9, with early respiratory failure. Last evaluated: 2021-09-10. Review status: criteria provided, single submitter. Criteria: ACMG Guidelines, 2015. Collection method: clinical testing. Allele origin: germline. Affected: no.

Genome-Nilou Lab
Classification: Benign for Early-onset myopathy with fatal cardiomyopathy. Last evaluated: 2021-09-10. Review status: criteria provided, single submitter. Criteria: ACMG Guidelines, 2015. Collection method: clinical testing. Allele origin: germline. Affected: no.

Genome-Nilou Lab
Classification: Benign for Tibial muscular dystrophy. Last evaluated: 2021-09-10. Review status: criteria provided, single submitter. Criteria: ACMG Guidelines, 2015. Collection method: clinical testing. Allele origin: germline. Affected: no.

Women's Health and Genetics/Laboratory Corporation of America, LabCorp
Classification: Benign. Last evaluated: 2019-08-19. Review status: criteria provided, single submitter. Criteria: LabCorp Variant Classification Summary - May 2015. Collection method: clinical testing. Allele origin: germline.

Illumina Laboratory Services, Illumina
Classification: Benign for Autosomal recessive limb-girdle muscular dystrophy type 2J. Last evaluated: 2018-01-13. Review status: criteria provided, single submitter. Criteria: ICSL Variant Classification Criteria 13 December 2019. Collection method: clinical testing. Allele origin: germline.
Comment: This variant was observed in the ICSL laboratory as part of a predisposition screen in an ostensibly healthy population. It had not been previously curated by ICSL or reported in the Human Gene Mutation Database (HGMD: prior to June 1st, 2018), and was therefore a candidate for classification through an automated scoring system. Utilizing variant allele frequency, disease prevalence and penetrance estimates, and inheritance mode, an automated score was calculated to assess if this variant is too frequent to cause the disease. Based on the score and internal cut-off values, a variant classified as benign is not then subjected to further curation. The score for this variant resulted in a classification of benign for this disease.

Illumina Laboratory Services, Illumina
Classification: Benign for Early-onset myopathy with fatal cardiomyopathy. Last evaluated: 2018-01-13. Review status: criteria provided, single submitter. Criteria: ICSL Variant Classification Criteria 13 December 2019. Collection method: clinical testing. Allele origin: germline.
Comment: the same text as in the submission from Illumina Laboratory Services, Illumina above.

Illumina Laboratory Services, Illumina
Classification: Benign for Dilated cardiomyopathy 1G. Last evaluated: 2018-01-13. Review status: criteria provided, single submitter. Criteria: ICSL Variant Classification Criteria 13 December 2019. Collection method: clinical testing. Allele origin: germline.
Comment: the same text as in the submission from Illumina Laboratory Services, Illumina above.

Illumina Laboratory Services, Illumina
Classification: Benign for Tibial muscular dystrophy. Last evaluated: 2018-01-13. Review status: criteria provided, single submitter. Criteria: ICSL Variant Classification Criteria 13 December 2019. Collection method: clinical testing. Allele origin: germline.
Comment: the same text as in the submission from Illumina Laboratory Services, Illumina above.

Illumina Laboratory Services, Illumina
Classification: Benign for Myopathy, myofibrillar, 9, with early respiratory failure. Last evaluated: 2018-01-13. Review status: criteria provided, single submitter. Criteria: ICSL Variant Classification Criteria 13 December 2019. Collection method: clinical testing. Allele origin: germline.
Comment: the same text as in the submission from Illumina Laboratory Services, Illumina above.

Mayo Clinic Laboratories, Mayo Clinic
Classification: Benign. Last evaluated: 2017-10-04. Review status: criteria provided, single submitter. Criteria: ACMG Guidelines, 2015. Collection method: clinical testing. Allele origin: germline. Observed: 663 variant alleles.

GeneDx
Classification: Benign. Last evaluated: 2012-10-31. Review status: criteria provided, single submitter. Criteria: GeneDx Variant Classification (06012015). Collection method: clinical testing. Allele origin: germline. Affected: yes.
Comment: This variant is considered likely benign or benign based on one or more of the following criteria: it is a conservative change, it occurs at a poorly conserved position in the protein, it is predicted to be benign by multiple in silico algorithms, and/or has population frequency not consistent with disease.

Laboratory for Molecular Medicine, Mass General Brigham Personalized Medicine
Classification: Benign. Last evaluated: 2011-12-21. Review status: criteria provided, single submitter. Criteria: LMM Criteria. Collection method: clinical testing. Allele origin: germline. Observed: 524 variant alleles.

Breakthrough Genomics
Classification: Benign. Review status: criteria provided, single submitter. Criteria: ACMG Guidelines, 2015. Collection method: not provided. Allele origin: germline. Inheritance: Autosomal recessive inheritance. Affected: yes.

PreventionGenetics, part of Exact Sciences
Classification: Benign. Review status: criteria provided, single submitter. Criteria: ACMG Guidelines, 2015. Collection method: clinical testing. Allele origin: germline.

Genetic Services Laboratory, University of Chicago
Classification: Likely benign for AllHighlyPenetrant. Review status: no assertion criteria provided. Collection method: clinical testing. Allele origin: germline. Not counted in ClinVar's aggregate classification.
Comment: Likely benign based on allele frequency in 1000 Genomes Project or ESP global frequency and its presence in a patient with a rare or unrelated disease phenotype. NOT Sanger confirmed.